The following is an entry in ClinVar:

NM_013275.6(ANKRD11):c.7333A>T (p.Arg2445Trp)

Gene: ANKRD11 (ankyrin repeat domain 11; minus strand). Cytogenetic location: 16q24.3.
Variant type: single nucleotide variant.
Coding change: c.7333A>T on transcript NM_013275.6 (MANE Select); coding-DNA position 7333, A replaced by T.
Protein change: p.Arg2445Trp; replaces arginine 2445 with tryptophan.
Molecular consequence: missense variant.
Genome position (GRCh38, 1-based): chr16:89,279,209, T>A on the plus strand (A>T on the coding strand, the complement: ANKRD11 is on the minus strand). VCF-style: chr16-89279209-T-A. GRCh37 (hg19) VCF-style: chr16-89345617-T-A.
Other names: c.7333A>T, p.Arg2445Trp (NM_001256182.2, NM_001256183.2); short protein forms R2445W.
Identifiers: ClinVar variation 4802786 (VCV004802786.1).
Genomic context (GRCh38, chr16:89,279,209, plus strand): 5'-ACTGGGGCGCCTGCGGCGTGATACAGCACAGGATCTTGCGCTTCTCCTCGATCTTCTTCC[T>A]GATCTGCAGGTATTCGAAGTAGGGGTTGGCCCTGTCGCTGTGGTAGGGCTCGATGGCATC-3'
Protein context (NP_037407.4, residues 2435-2455): ANPYFEYLQI[Arg2445Trp]KKIEEKRKIL

ClinVar aggregate classification (germline): Uncertain significance (1 of 4 stars; one submission).

Conditions:
KBG syndrome (KBGS). Also called: ANKRD11-Related KBG Syndrome. Identifiers: Orphanet 2332, MedGen C0220687, MONDO:0007846, OMIM 148050.

Submission:

Labcorp Genetics (formerly Invitae), Labcorp
Classification: Uncertain significance for KBG syndrome. Last evaluated: 2025-06-29. Review status: criteria provided, single submitter. Criteria: Invitae Variant Classification Sherloc (09022015). Collection method: clinical testing. Allele origin: germline.
Comment: This sequence change replaces arginine, which is basic and polar, with tryptophan, which is neutral and slightly polar, at codon 2445 of the ANKRD11 protein (p.Arg2445Trp). This variant is not present in population databases (gnomAD no frequency). This variant has not been reported in the literature in individuals affected with ANKRD11-related conditions. Invitae Evidence Modeling of protein sequence and biophysical properties (such as structural, functional, and spatial information, amino acid conservation, physicochemical variation, residue mobility, and thermodynamic stability) has been performed for this missense variant. However, the output from this modeling did not meet the statistical confidence thresholds required to predict the impact of this variant on ANKRD11 protein function. In summary, the available evidence is currently insufficient to determine the role of this variant in disease. Therefore, it has been classified as a Variant of Uncertain Significance.